The following is an entry in ClinVar:

NM_001145026.2(PTPRQ):c.301C>T (p.Gln101Ter)

Gene: PTPRQ (protein tyrosine phosphatase receptor type Q; plus strand). Cytogenetic location: 12q21.31.
Variant type: single nucleotide variant.
Coding change: c.301C>T on transcript NM_001145026.2 (MANE Select); coding-DNA position 301, C replaced by T.
Protein change: p.Gln101Ter; replaces glutamine 101 with a stop codon.
Molecular consequence: nonsense.
Genome position (GRCh38, 1-based): chr12:80,445,628, C>T. VCF-style: chr12-80445628-C-T. GRCh37 (hg19) VCF-style: chr12-80839408-C-T.
Other names: c.301C>T (NM_001145026.1); short protein forms Q101*.
Identifiers: ClinVar variation 4077452 (VCV004077452.2).

ClinVar aggregate classification (germline): Likely pathogenic. Review status: criteria provided, multiple submitters, no conflicts (2 of 4 stars). 2 submissions from 2 submitters: Likely pathogenic (2). Last evaluated 2025-11-03.

Conditions:
PTPRQ-related disorder. Also called: PTPRQ-related condition.

gnomAD v4.1: 8 of 1,549,866 alleles (0.00052%); highest among the groups gnomAD compares: Admixed American, 0.0098%; no homozygotes.

Submissions (2):

PreventionGenetics, part of Exact Sciences
Classification: Likely pathogenic for PTPRQ-related condition. Last evaluated: 2025-11-03. Review status: criteria provided, single submitter. Criteria: ACMG Guidelines, 2015. Collection method: clinical testing. Allele origin: germline.
Comment: The PTPRQ c.301C>T variant is predicted to result in premature protein termination (p.Gln101*). To our knowledge, this variant has not been reported in the literature. This variant is reported in 0.0081% of alleles in individuals of Latino descent in gnomAD. Nonsense variants in PTPRQ are expected to be pathogenic. This variant is interpreted as likely pathogenic.

Revvity Omics, Revvity
Classification: Likely pathogenic. Last evaluated: 2024-04-24. Review status: criteria provided, single submitter. Criteria: ACMG Guidelines, 2015. Collection method: clinical testing. Allele origin: germline.